The following is an entry in ClinVar:

ClinVar aggregate classification (germline): Uncertain significance. Review status: criteria provided, multiple submitters, no conflicts (2 of 4 stars). 2 submissions from 2 submitters: Uncertain significance (2). Last evaluated 2022-01-12.

Conditions:
Fanconi anemia (FA). Also called: Fanconi's anemia. Identifiers: Orphanet 84, MedGen C0015625, MeSH D005199, MONDO:0019391.

Allele frequency attached by ClinVar (database versions not stated): gnomAD exomes below 0.00001 and 0.00001.

Submissions (2):

Sema4
Classification: Uncertain significance for Fanconi anemia. Last evaluated: 2022-01-12. Review status: criteria provided, single submitter. Criteria: Sema4 Curation Guidelines. Collection method: curation. Allele origin: germline.
Comment: The FANCI c.1525G>A (p.V509I) variant has not been reported in the literature to our knowledge. This variant was observed in 1/251336 chromosomes across all populations, in the large and broad cohorts of the Genome Aggregation Database (PMID: 32461654). This variant has not been reported in ClinVar. Functional studies have not been performed, and in silico predictions of the variant's effect on protein function are inconclusive. The overall evidence is insufficient to meet ACMG/AMP criteria for classifying it as benign or pathogenic. In summary, the clinical significance of this variant is currently uncertain.

Labcorp Genetics (formerly Invitae), Labcorp
Classification: Uncertain significance for Fanconi anemia. Last evaluated: 2021-08-18. Review status: criteria provided, single submitter. Criteria: Invitae Variant Classification Sherloc (09022015). Collection method: clinical testing. Allele origin: germline.
Comment: This sequence change replaces valine with isoleucine at codon 509 of the FANCI protein (p.Val509Ile). The valine residue is moderately conserved and there is a small physicochemical difference between valine and isoleucine. This variant is not present in population databases (ExAC no frequency). This variant has not been reported in the literature in individuals affected with FANCI-related conditions. Algorithms developed to predict the effect of missense changes on protein structure and function output the following: SIFT: "Tolerated"; PolyPhen-2: "Benign"; Align-GVGD: "Class C0". The isoleucine amino acid residue is found in multiple mammalian species, which suggests that this missense change does not adversely affect protein function. In summary, the available evidence is currently insufficient to determine the role of this variant in disease. Therefore, it has been classified as a Variant of Uncertain Significance.

NM_001113378.2(FANCI):c.1525G>A (p.Val509Ile)

Gene: FANCI (FA complementation group I; plus strand). Cytogenetic location: 15q26.1.
Variant type: single nucleotide variant.
Coding change: c.1525G>A on transcript NM_001113378.2 (MANE Select); coding-DNA position 1525, G replaced by A.
Protein change: p.Val509Ile; replaces valine 509 with isoleucine.
Molecular consequence: missense variant.
Genome position (GRCh38, 1-based): chr15:89,281,777, G>A. VCF-style: chr15-89281777-G-A. GRCh37 (hg19) VCF-style: chr15-89825008-G-A.
Other names: c.1246G>A, p.Val416Ile (NM_001376910.1); c.1525G>A, p.Val509Ile (NM_001376911.1, NM_018193.3); short protein forms V509I, V416I.
Identifiers: ClinVar variation 1491048 (VCV001491048.4), dbSNP rs1011876937, ClinGen allele CA393744596.